The following is an entry in ClinVar:

ClinVar aggregate classification (germline): Uncertain significance (1 of 4 stars; one submission).

Submission:

GeneDx
Classification: Uncertain significance. Last evaluated: 2025-02-28. Review status: criteria provided, single submitter. Criteria: GeneDx Variant Classification Process June 2021. Collection method: clinical testing. Allele origin: germline. Affected: yes.
Comment: Not observed at significant frequency in large population cohorts (gnomAD); In silico analysis supports that this missense variant has a deleterious effect on protein structure/function; Has not been previously published as pathogenic or benign to our knowledge

NM_001292063.2(OTOG):c.437A>T (p.His146Leu)

Gene: OTOG (otogelin; plus strand). Cytogenetic location: 11p15.1.
Variant type: single nucleotide variant.
Coding change: c.437A>T on transcript NM_001292063.2 (MANE Select); coding-DNA position 437, A replaced by T.
Protein change: p.His146Leu; replaces histidine 146 with leucine.
Molecular consequence: missense variant.
Genome position (GRCh38, 1-based): chr11:17,553,416, A>T. VCF-style: chr11-17553416-A-T. GRCh37 (hg19) VCF-style: chr11-17574963-A-T.
Other names: c.473A>T, p.His158Leu (NM_001277269.2); short protein forms H146L, H158L.
Identifiers: ClinVar variation 4077282 (VCV004077282.1).